The following is an entry in ClinVar:

ClinVar aggregate classification (germline): Uncertain significance (1 of 4 stars; one submission).

Conditions:
Multiple congenital exostosis (EXT). Also called: Hereditary multiple osteochondromas; Multiple exostoses; Multiple osteochondromas; MULTIPLE CARTILAGINOUS EXOSTOSES; Hereditary multiple exostoses; Hereditary multiple exostosis. Identifiers: Orphanet 321, MedGen C0015306, MONDO:0005508, HP:0002762.

Allele frequency attached by ClinVar (database versions not stated): gnomAD exomes below 0.00001; TOPMed below 0.00001.
gnomAD v4.1: 7 of 1,614,146 alleles (0.00043%); highest among the groups gnomAD compares: South Asian, 0.0022%; no homozygotes.

Submission:

Labcorp Genetics (formerly Invitae), Labcorp
Classification: Uncertain significance for Multiple congenital exostosis. Last evaluated: 2023-11-10. Review status: criteria provided, single submitter. Criteria: Invitae Variant Classification Sherloc (09022015). Collection method: clinical testing. Allele origin: germline.
Comment: This sequence change replaces glutamic acid, which is acidic and polar, with lysine, which is basic and polar, at codon 365 of the EXT1 protein (p.Glu365Lys). This variant is not present in population databases (gnomAD no frequency). This variant has not been reported in the literature in individuals affected with EXT1-related conditions. Advanced modeling of protein sequence and biophysical properties (such as structural, functional, and spatial information, amino acid conservation, physicochemical variation, residue mobility, and thermodynamic stability) performed at Invitae indicates that this missense variant is not expected to disrupt EXT1 protein function with a negative predictive value of 80%. In summary, the available evidence is currently insufficient to determine the role of this variant in disease. Therefore, it has been classified as a Variant of Uncertain Significance.

NM_000127.3(EXT1):c.1093G>A (p.Glu365Lys)

Gene: EXT1 (exostosin glycosyltransferase 1; minus strand). Cytogenetic location: 8q24.11.
Variant type: single nucleotide variant.
Coding change: c.1093G>A on transcript NM_000127.3 (MANE Select); coding-DNA position 1093, G replaced by A.
Protein change: p.Glu365Lys; replaces glutamic acid 365 with lysine.
Molecular consequence: missense variant.
Genome position (GRCh38, 1-based): chr8:117,835,515, C>T on the plus strand (G>A on the coding strand, the complement: EXT1 is on the minus strand). VCF-style: chr8-117835515-C-T. GRCh37 (hg19) VCF-style: chr8-118847754-C-T.
Other names: short protein forms E365K.
Identifiers: ClinVar variation 2887250 (VCV002887250.3), dbSNP rs1028715003, ClinGen allele CA184296611.